The following is an entry in ClinVar:

NM_000541.5(SAG):c.262T>C (p.Tyr88His)

Gene: SAG (S-antigen visual arrestin; plus strand). Cytogenetic location: 2q37.1.
Variant type: single nucleotide variant.
Coding change: c.262T>C on transcript NM_000541.5 (MANE Select); coding-DNA position 262, T replaced by C.
Protein change: p.Tyr88His; replaces tyrosine 88 with histidine.
Molecular consequence: missense variant.
Genome position (GRCh38, 1-based): chr2:233,320,710, T>C. VCF-style: chr2-233320710-T-C. GRCh37 (hg19) VCF-style: chr2-234229356-T-C.
Other names: short protein forms Y88H.
Identifiers: ClinVar variation 1001494 (VCV001001494.8), dbSNP rs1045104656, ClinGen allele CA67542243.

ClinVar aggregate classification (germline): Uncertain significance (1 of 4 stars; one submission).

Allele frequency attached by ClinVar (database versions not stated): gnomAD exomes 0.00001; TOPMed 0.00001.
gnomAD v4.1: 47 of 1,605,780 alleles (0.0029%); highest among the groups gnomAD compares: Non-Finnish European, 0.0037%; no homozygotes.

Submission:

Labcorp Genetics (formerly Invitae), Labcorp
Classification: Uncertain significance. Last evaluated: 2025-01-19. Review status: criteria provided, single submitter. Criteria: Invitae Variant Classification Sherloc (09022015). Collection method: clinical testing. Allele origin: germline.
Comment: This sequence change replaces tyrosine, which is neutral and polar, with histidine, which is basic and polar, at codon 88 of the SAG protein (p.Tyr88His). This variant is present in population databases (no rsID available, gnomAD 0.002%). This variant has not been reported in the literature in individuals affected with SAG-related conditions. ClinVar contains an entry for this variant (Variation ID: 1001494). Invitae Evidence Modeling of protein sequence and biophysical properties (such as structural, functional, and spatial information, amino acid conservation, physicochemical variation, residue mobility, and thermodynamic stability) indicates that this missense variant is not expected to disrupt SAG protein function with a negative predictive value of 80%. In summary, the available evidence is currently insufficient to determine the role of this variant in disease. Therefore, it has been classified as a Variant of Uncertain Significance.